The following is an entry in ClinVar:

ClinVar aggregate classification (germline): Uncertain significance (1 of 4 stars; one submission).

Submission:

Ambry Genetics
Classification: Uncertain significance. Last evaluated: 2023-11-08. Review status: criteria provided, single submitter. Criteria: Ambry Variant Classification Scheme 2023. Collection method: clinical testing. Allele origin: germline.
Comment: The p.H226R variant (also known as c.677A>G), located in coding exon 8 of the NPAT gene, results from an A to G substitution at nucleotide position 677. The histidine at codon 226 is replaced by arginine, an amino acid with highly similar properties. This amino acid position is conserved. In addition, this alteration is predicted to be tolerated by in silico analysis. Since supporting evidence is limited at this time, the clinical significance of this alteration remains unclear.

NM_002519.3(NPAT):c.677A>G (p.His226Arg)

Gene: NPAT (nuclear protein, coactivator of histone transcription; minus strand). Cytogenetic location: 11q22.3.
Variant type: single nucleotide variant.
Coding change: c.677A>G on transcript NM_002519.3 (MANE Select); coding-DNA position 677, A replaced by G.
Protein change: p.His226Arg; replaces histidine 226 with arginine.
Molecular consequence: missense variant.
Genome position (GRCh38, 1-based): chr11:108,186,531, T>C on the plus strand (A>G on the coding strand, the complement: NPAT is on the minus strand). VCF-style: chr11-108186531-T-C. GRCh37 (hg19) VCF-style: chr11-108057258-T-C.
Other names: c.677A>G, p.His226Arg (NM_001321307.1); short protein forms H226R.
Identifiers: ClinVar variation 3222639 (VCV003222639.1), dbSNP rs2496740349, ClinGen allele CA382522377.